The following is an entry in ClinVar:

ClinVar aggregate classification (germline): Pathogenic. Review status: criteria provided, multiple submitters, no conflicts (2 of 4 stars). 3 submissions from 3 submitters: Pathogenic (2). 1 of the submissions does not count toward it. Last evaluated 2022-08-19.

Conditions:
Waardenburg syndrome type 1 (WS1). Also called: Waardenburg Syndrome Type I; WAARDENBURG SYNDROME WITH DYSTOPIA CANTHORUM. Identifiers: Orphanet 894, MedGen C1847800, MONDO:0008670, OMIM 193500.

Submissions (3):

GeneDx
Classification: Pathogenic. Last evaluated: 2022-08-19. Review status: criteria provided, single submitter. Criteria: GeneDx Variant Classification Process June 2021. Collection method: clinical testing. Allele origin: germline.
Comment: Frameshift variant predicted to result in protein truncation or nonsense mediated decay in a gene for which loss-of-function is a known mechanism of disease; Not observed at significant frequency in large population cohorts (gnomAD); This variant is associated with the following publications: (PMID: 8490648)

Labcorp Genetics (formerly Invitae), Labcorp
Classification: Pathogenic. Last evaluated: 2022-01-26. Review status: criteria provided, single submitter. Criteria: Invitae Variant Classification Sherloc (09022015). Collection method: clinical testing. Allele origin: germline.
Comment: This sequence change creates a premature translational stop signal (p.His186Glnfs*17) in the PAX3 gene. It is expected to result in an absent or disrupted protein product. Loss-of-function variants in PAX3 are known to be pathogenic (PMID: 20127975, 23512835). This variant is not present in population databases (gnomAD no frequency). This premature translational stop signal has been observed in individual(s) with Waardenburg syndrome (PMID: 8490648). ClinVar contains an entry for this variant (Variation ID: 4209). For these reasons, this variant has been classified as Pathogenic.

OMIM
Classification: Pathogenic for WAARDENBURG SYNDROME, TYPE 1. Last evaluated: 1995-11-01. Review status: no assertion criteria provided. Collection method: literature only. Allele origin: germline. Not counted in ClinVar's aggregate classification.

Literature cited by the submitters: PubMed 20127975 (cited by Labcorp Genetics (formerly Invitae), Labcorp); PubMed 23512835 (cited by Labcorp Genetics (formerly Invitae), Labcorp); PubMed 8490648 (cited by Labcorp Genetics (formerly Invitae), Labcorp and OMIM); PubMed 2785681 (cited by OMIM); PubMed 8447316 (cited by OMIM); PubMed 8589691 (cited by OMIM).

NM_181458.4(PAX3):c.558_559del (p.His186fs)

Gene: PAX3 (paired box 3; minus strand). Cytogenetic location: 2q36.1.
Variant type: Microsatellite.
Coding change: c.558_559del on transcript NM_181458.4 (MANE Select); coding-DNA positions 558 to 559, 2 bases deleted (CA; older notation c.558_559delCA).
Protein change: p.His186fs; shifts the reading frame from histidine 186.
Molecular consequence: frameshift variant.
Genome position (GRCh38, 1-based): chr2:222,294,194-222,294,195, TG deleted on the plus strand (CA on the coding strand, the reverse complement: PAX3 is on the minus strand); deleting any 2 consecutive bases within chr2:222,294,194-222,294,198 gives the same sequence; the c. name uses the placement nearest the transcript's 3' end. VCF-style (leftmost placement, unchanged base first): chr2-222294193-CTG-C. GRCh37 (hg19) VCF-style: chr2-223158912-CTG-C.
Other names: c.558_559delCA (NM_181457.3); c.558_559del, p.His186fs (NM_000438.6, NM_013942.5, NM_181457.4 and 3 more transcripts); c.555_556del, p.His185fs (NM_001127366.3); short protein forms H185fs, H186fs.
Identifiers: ClinVar variation 4209 (VCV000004209.9), dbSNP rs1559316535, ClinGen allele CA913190008.